The following is an entry in ClinVar:

NM_007347.5(AP4E1):c.487T>C (p.Cys163Arg)

Gene: AP4E1 (adaptor related protein complex 4 subunit epsilon 1; plus strand). Cytogenetic location: 15q21.2.
Variant type: single nucleotide variant.
Coding change: c.487T>C on transcript NM_007347.5 (MANE Select); coding-DNA position 487, T replaced by C.
Protein change: p.Cys163Arg; replaces cysteine 163 with arginine.
Molecular consequence: missense variant.
Genome position (GRCh38, 1-based): chr15:50,925,164, T>C. VCF-style: chr15-50925164-T-C. GRCh37 (hg19) VCF-style: chr15-51217361-T-C.
Other names: c.262T>C, p.Cys88Arg (NM_001252127.2); short protein forms C163R, C88R.
Identifiers: ClinVar variation 128401 (VCV000128401.22), dbSNP rs2306331, ClinGen allele CA151847.

ClinVar aggregate classification (germline): Benign. Review status: criteria provided, multiple submitters, no conflicts (2 of 4 stars). 10 submissions from 10 submitters: Benign (8). 2 of the submissions do not count toward it. Last evaluated 2026-02-04.

Conditions:
Hereditary spastic paraplegia 51. Also called: CEREBRAL PALSY, SPASTIC QUADRIPLEGIC, 4; Spastic paraplegia 51, autosomal recessive. Identifiers: Orphanet 280763, MedGen C3151056, MONDO:0013401, OMIM 613744.
Spastic paraplegia. Identifiers: MedGen C0037772, HP:0001258.

Allele frequency attached by ClinVar (database versions not stated): gnomAD exomes 0.45077 and 0.42945; TOPMed 0.42855; 1000 Genomes Project 30x 0.43317; gnomAD 0.43394 and 0.43405; ExAC 0.43515; ESP Exome Variant Server 0.43713; 1000 Genomes Project 0.44089.

Submissions (10):

Labcorp Genetics (formerly Invitae), Labcorp
Classification: Benign for Spastic paraplegia. Last evaluated: 2026-02-04. Review status: criteria provided, single submitter. Criteria: Invitae Variant Classification Sherloc (09022015). Collection method: clinical testing. Allele origin: germline.

Blueprint Genetics
Classification: Benign. Last evaluated: 2024-11-27. Review status: criteria provided, single submitter. Criteria: ACMG Guidelines, 2015. Collection method: clinical testing. Allele origin: germline.

Genome-Nilou Lab
Classification: Benign for Hereditary spastic paraplegia 51. Last evaluated: 2021-07-14. Review status: criteria provided, single submitter. Criteria: ACMG Guidelines, 2015. Collection method: clinical testing. Allele origin: germline. Affected: no.

Mendelics
Classification: Benign for Hereditary spastic paraplegia 51. Last evaluated: 2019-05-28. Review status: criteria provided, single submitter. Criteria: Mendelics Assertion Criteria 2017. Collection method: clinical testing. Allele origin: unknown.

Mayo Clinic Laboratories, Mayo Clinic
Classification: Benign. Last evaluated: 2017-08-21. Review status: criteria provided, single submitter. Criteria: ACMG Guidelines, 2015. Collection method: clinical testing. Allele origin: germline. Observed: 582 variant alleles.

Clinical Genetics DNA and cytogenetics Diagnostics Lab, Erasmus MC, Erasmus Medical Center
Classification: Benign for Hereditary spastic paraplegia 51. Last evaluated: 2017-05-31. Review status: criteria provided, single submitter. Criteria: ACGS Guidelines, 2013. Collection method: clinical testing. Allele origin: germline. Affected: yes. Study: VKGL Data-share Consensus.

GeneDx
Classification: Benign. Last evaluated: 2016-01-22. Review status: criteria provided, single submitter. Criteria: GeneDx Variant Classification (06012015). Collection method: clinical testing. Allele origin: germline. Affected: yes.
Comment: This variant is considered likely benign or benign based on one or more of the following criteria: it is a conservative change, it occurs at a poorly conserved position in the protein, it is predicted to be benign by multiple in silico algorithms, and/or has population frequency not consistent with disease.

Breakthrough Genomics
Classification: Benign. Review status: criteria provided, single submitter. Criteria: ACMG Guidelines, 2015. Collection method: not provided. Allele origin: germline. Inheritance: Autosomal recessive inheritance. Affected: yes.

Diagnostic Laboratory, Department of Genetics, University Medical Center Groningen
Classification: Benign for Hereditary spastic paraplegia 51. Review status: no assertion criteria provided. Collection method: clinical testing. Allele origin: germline. Affected: yes. Study: VKGL Data-share Consensus. Not counted in ClinVar's aggregate classification.

Genetic Services Laboratory, University of Chicago
Classification: Likely benign for AllHighlyPenetrant. Review status: no assertion criteria provided. Collection method: clinical testing. Allele origin: germline. Inheritance: Autosomal recessive inheritance. Not counted in ClinVar's aggregate classification.
Comment: Likely benign based on allele frequency in 1000 Genomes Project or ESP global frequency and its presence in a patient with a rare or unrelated disease phenotype. NOT Sanger confirmed.